The following is an entry in ClinVar:

ClinVar aggregate classification (germline): Uncertain significance. Review status: criteria provided, multiple submitters, no conflicts (2 of 4 stars). 2 submissions from 2 submitters: Uncertain significance (2). Last evaluated 2021-08-12.

Conditions:
Kabuki syndrome 1 (KABUK1). Also called: KMT2D-Related Kabuki Syndrome. Identifiers: Orphanet 2322, MedGen CN030661, MONDO:0007843, OMIM 147920.
Kabuki syndrome 2 (KABUK2). Also called: KDM6A-Related Kabuki Syndrome. Identifiers: Orphanet 2322, MedGen C3275495, MONDO:0010465, OMIM 300867.

Allele frequency attached by ClinVar (database versions not stated): gnomAD 0.00001 and 0.00002; TOPMed 0.00002.
gnomAD v4.1: 10 of 1,067,422 alleles (0.00094%); highest among the groups gnomAD compares: Admixed American, 0.0028%; no homozygotes.

Submissions (2):

Fulgent Genetics
Classification: Uncertain significance for Kabuki syndrome 1; Kabuki syndrome 2. Last evaluated: 2021-08-12. Review status: criteria provided, single submitter. Criteria: ACMG Guidelines, 2015. Collection method: clinical testing. Allele origin: unknown.

GeneDx
Classification: Uncertain significance. Last evaluated: 2018-02-01. Review status: criteria provided, single submitter. Criteria: GeneDx Variant Classification (06012015). Collection method: clinical testing. Allele origin: germline. Affected: yes.
Comment: The V410I variant, present in an alternate transcript of the KDM6A gene, has not been reported previously as a pathogenic variant, nor as a benign variant, to our knowledge. The V410I variant is observed in 2/12636 (0.0016%) alleles in large population cohorts (Lek et al., 2016). The V410I variant is a conservative amino acid substitution, which is not likely to impact secondary protein structure as these residues share similar properties. In-silico analyses, including protein predictors and evolutionary conservation, support that this variant does not alter protein structure/function. We interpret V410I as a variant of uncertain significance.

NM_001291415.2(KDM6A):c.1363G>A (p.Val455Ile)

Gene: KDM6A (lysine demethylase 6A; plus strand). Cytogenetic location: Xp11.3.
Variant type: single nucleotide variant.
Coding change: c.1363G>A on transcript NM_001291415.2 (MANE Select); coding-DNA position 1363, G replaced by A.
Protein change: p.Val455Ile; replaces valine 455 with isoleucine.
Molecular consequence: missense variant. On other transcripts: non-coding transcript variant (1), intron variant (4).
Genome position (GRCh38, 1-based): chrX:45,060,642, G>A. VCF-style: chrX-45060642-G-A. GRCh37 (hg19) VCF-style: chrX-44919887-G-A.
Other names: c.1228G>A, p.Val410Ile (NM_001291416.2); c.1329+486G>A (NM_021140.4); c.1195-682G>A (NM_001291417.2, NM_001291418.2); c.442-682G>A (NM_001291421.2); short protein forms V455I, V410I.
Identifiers: ClinVar variation 432518 (VCV000432518.3), dbSNP rs1247978055, ClinGen allele CA412783712.